The following is an entry in ClinVar:

ClinVar aggregate classification (germline): Uncertain significance (1 of 4 stars; one submission).

Conditions:
MRAP2-related disorder. Also called: MRAP2-related condition.

gnomAD v4.1: 3 of 1,612,650 alleles (0.00019%); highest among the groups gnomAD compares: Admixed American, 0.005%; no homozygotes.

Submission:

PreventionGenetics, part of Exact Sciences
Classification: Uncertain significance for MRAP2-related condition. Last evaluated: 2026-07-02. Review status: criteria provided, single submitter. Criteria: ACMG Guidelines, 2015. Collection method: clinical testing. Allele origin: germline.
Comment: The MRAP2 c.95C>T variant is predicted to result in the amino acid substitution p.Pro32Leu. This variant has been reported as a variant of uncertain significance in a normal weight child in a case-control study of obesity (Table 1 in Baron et al. 2019. PubMed ID: 31700171). Functional studies demonstrated this variant had no effect on MC4R activity (Wyatt et al. 2025. PubMed ID: 39807633). This variant has not been reported in a large population database (gnomAD), indicating this variant is rare. Although we suspect that this variant may be benign, at this time, the clinical significance of this variant is uncertain due to the absence of conclusive functional and genetic evidence.

NM_138409.4(MRAP2):c.95C>T (p.Pro32Leu)

Gene: MRAP2 (melanocortin 2 receptor accessory protein 2; plus strand). Cytogenetic location: 6q14.2.
Variant type: single nucleotide variant.
Coding change: c.95C>T on transcript NM_138409.4 (MANE Select); coding-DNA position 95, C replaced by T.
Protein change: p.Pro32Leu; replaces proline 32 with leucine.
Molecular consequence: missense variant. On other transcripts: 5 prime UTR variant (2).
Genome position (GRCh38, 1-based): chr6:84,055,413, C>T. VCF-style: chr6-84055413-C-T. GRCh37 (hg19) VCF-style: chr6-84765132-C-T.
Other names: c.-64C>T (NM_001346541.2); c.95C>T, p.Pro32Leu (NM_001346542.2, NM_001346544.2); c.-165C>T (NM_001346543.2); short protein forms P32L.
Identifiers: ClinVar variation 3353492 (VCV003353492.2).